The following is an entry in ClinVar:

NM_003070.5(SMARCA2):c.4462-4T>A

Gene: SMARCA2 (SWI/SNF related BAF chromatin remodeling complex subunit ATPase 2; plus strand). Cytogenetic location: 9p24.3.
Variant type: single nucleotide variant.
Coding change: c.4462-4T>A on transcript NM_003070.5 (MANE Select); 4 bases into the intron before coding-DNA position 4462, T replaced by A.
Molecular consequence: intron variant.
Genome position (GRCh38, 1-based): chr9:2,186,092, T>A. VCF-style: chr9-2186092-T-A. GRCh37 (hg19) VCF-style: chr9-2186092-T-A.
Other names: c.4408-4T>A (NM_139045.4); c.4234-4T>A (NM_001289397.2); c.4462-4T>A (NM_001289396.2); c.436-4T>A (NM_001289398.2); c.526-4T>A (NM_001289400.2); c.520-4T>A (NM_001289399.2).
Identifiers: ClinVar variation 4281504 (VCV004281504.7).

ClinVar aggregate classification (germline): Uncertain significance (1 of 4 stars; one submission).

Submission:

CeGaT Center for Human Genetics Tuebingen
Classification: Uncertain significance. Last evaluated: 2025-09-01. Review status: criteria provided, single submitter. Criteria: CeGaT Center For Human Genetics Tuebingen Variant Classification Criteria Version 2. Collection method: clinical testing. Allele origin: germline. Affected: yes. Observed: 1 variant allele.
Comment: SMARCA2: PM2, BP4